The following is an entry in ClinVar:

ClinVar aggregate classification (germline): Likely benign (1 of 4 stars; one submission).

Allele frequency attached by ClinVar (database versions not stated): TOPMed 0.00003; gnomAD 0.00027; 1000 Genomes Project 0.00180; 1000 Genomes Project 30x 0.00187.
gnomAD v4.1: 41 of 152,214 alleles (0.027%); highest among the groups gnomAD compares: South Asian, 0.83%; no homozygotes.

Submission:

CeGaT Center for Human Genetics Tuebingen
Classification: Likely benign. Last evaluated: 2022-12-01. Review status: criteria provided, single submitter. Criteria: CeGaT Center For Human Genetics Tuebingen Variant Classification Criteria Version 2. Collection method: clinical testing. Allele origin: germline. Affected: yes. Observed: 1 variant allele.
Comment: KDM4B: BS1

NM_015015.3(KDM4B):c.1315+3676T>C

Gene: KDM4B (lysine demethylase 4B; plus strand). Cytogenetic location: 19p13.3.
Variant type: single nucleotide variant.
Coding change: c.1315+3676T>C on transcript NM_015015.3 (MANE Select); 3676 bases into the intron after coding-DNA position 1315, T replaced by C.
Molecular consequence: intron variant.
Genome position (GRCh38, 1-based): chr19:5,123,528, T>C. VCF-style: chr19-5123528-T-C. GRCh37 (hg19) VCF-style: chr19-5123539-T-C.
Other names: c.1417+3676T>C (NM_001411148.1).
Identifiers: ClinVar variation 2649096 (VCV002649096.24), dbSNP rs531485431, ClinGen allele CA304572918.